The following is an entry in ClinVar:

NM_002615.7(SERPINF1):c.77del (p.Pro26fs)

Gene: SERPINF1 (serpin family F member 1; plus strand). Cytogenetic location: 17p13.3.
Variant type: Deletion.
Coding change: c.77del on transcript NM_002615.7 (MANE Select); coding-DNA position 77, one base deleted (C; older notation c.77delC).
Protein change: p.Pro26fs; shifts the reading frame from proline 26.
Molecular consequence: frameshift variant. On other transcripts: intron variant (1).
Genome position (GRCh38, 1-based): chr17:1,766,987, C deleted; the last of 6 consecutive C bases (chr17:1,766,982-1,766,987); deleting any one gives the same sequence. VCF-style (leftmost placement, unchanged base first): chr17-1766981-GC-G. GRCh37 (hg19) VCF-style: chr17-1670275-GC-G.
Other names: c.77del, p.Pro26fs (NM_001329903.2); c.-477-2865del (NM_001329904.2); short protein forms P26fs.
Identifiers: ClinVar variation 1388059 (VCV001388059.9), dbSNP rs1272920425, ClinGen allele CA624473414.

ClinVar aggregate classification (germline): Pathogenic/Likely pathogenic. Review status: criteria provided, multiple submitters, no conflicts (2 of 4 stars). 3 submissions from 3 submitters: Pathogenic (2); Likely pathogenic (1). Last evaluated 2025-05-26.

Conditions:
Osteogenesis imperfecta type 6. Also called: Osteogenesis imperfecta, type VI. Identifiers: Orphanet 666, MedGen C3279564, MONDO:0013515, OMIM 613982.

Submissions (3):

3billion
Classification: Pathogenic for Osteogenesis imperfecta type 6. Last evaluated: 2025-05-26. Review status: criteria provided, single submitter. Criteria: ACMG Guidelines, 2015. Collection method: clinical testing. Allele origin: germline. Affected: yes.
Comment: The variant is observed at an extremely low frequency in the gnomAD v4.1.0 dataset (total allele frequency: 0.002%). Predicted Consequence/Location: Frameshift: predicted to result in a loss or disruption of normal protein function through nonsense-mediated decay (NMD) or protein truncation. Multiple pathogenic variants are reported downstream of the variant. The variant has been reported at least twice as pathogenic with clinical assertions and evidence for the classification (ClinVar ID: VCV001388059 /3billion dataset). Therefore, this variant is classified as Pathogenic according to the recommendation of ACMG/AMP guideline.

Fulgent Genetics
Classification: Likely pathogenic for Osteogenesis imperfecta type 6. Last evaluated: 2024-06-21. Review status: criteria provided, single submitter. Criteria: ACMG Guidelines, 2015. Collection method: clinical testing. Allele origin: germline.

Labcorp Genetics (formerly Invitae), Labcorp
Classification: Pathogenic. Last evaluated: 2024-01-24. Review status: criteria provided, single submitter. Criteria: Invitae Variant Classification Sherloc (09022015). Collection method: clinical testing. Allele origin: germline.
Comment: This sequence change creates a premature translational stop signal (p.Pro26Argfs*26) in the SERPINF1 gene. It is expected to result in an absent or disrupted protein product. Loss-of-function variants in SERPINF1 are known to be pathogenic (PMID: 21353196, 21826736). The frequency data for this variant in the population databases is considered unreliable, as metrics indicate poor data quality at this position in the gnomAD database. This variant has not been reported in the literature in individuals affected with SERPINF1-related conditions. ClinVar contains an entry for this variant (Variation ID: 1388059). For these reasons, this variant has been classified as Pathogenic.

Literature cited by the submitters: PubMed 21353196 (cited by Labcorp Genetics (formerly Invitae), Labcorp); PubMed 21826736 (cited by Labcorp Genetics (formerly Invitae), Labcorp).